The following is an entry in ClinVar:

NM_007186.6(CEP250):c.4189A>G (p.Ser1397Gly)

Gene: CEP250 (centrosomal protein 250; plus strand). Cytogenetic location: 20q11.22.
Variant type: single nucleotide variant.
Coding change: c.4189A>G on transcript NM_007186.6 (MANE Select); coding-DNA position 4189, A replaced by G.
Protein change: p.Ser1397Gly; replaces serine 1397 with glycine.
Molecular consequence: missense variant.
Genome position (GRCh38, 1-based): chr20:35,502,558, A>G. VCF-style: chr20-35502558-A-G. GRCh37 (hg19) VCF-style: chr20-34090386-A-G.
Other names: c.2293A>G, p.Ser765Gly (NM_001318219.1); short protein forms S765G, S1397G.
Identifiers: ClinVar variation 854047 (VCV000854047.11), dbSNP rs778997715, ClinGen allele CA9833684.

ClinVar aggregate classification (germline): Uncertain significance. Review status: criteria provided, multiple submitters, no conflicts (2 of 4 stars). 2 submissions from 2 submitters: Uncertain significance (2). Last evaluated 2023-08-10.

Allele frequency attached by ClinVar (database versions not stated): TOPMed 0.00002; ExAC 0.00003; gnomAD 0.00003; gnomAD exomes 0.00004.
gnomAD v4.1: 30 of 1,614,094 alleles (0.0019%); highest among the groups gnomAD compares: Non-Finnish European, 0.0025%; no homozygotes.

Submissions (2):

Labcorp Genetics (formerly Invitae), Labcorp
Classification: Uncertain significance. Last evaluated: 2023-08-10. Review status: criteria provided, single submitter. Criteria: Invitae Variant Classification Sherloc (09022015). Collection method: clinical testing. Allele origin: germline.
Comment: This sequence change replaces serine, which is neutral and polar, with glycine, which is neutral and non-polar, at codon 1397 of the CEP250 protein (p.Ser1397Gly). This variant is present in population databases (rs778997715, gnomAD 0.006%). In summary, the available evidence is currently insufficient to determine the role of this variant in disease. Therefore, it has been classified as a Variant of Uncertain Significance. An algorithm developed to predict the effect of missense changes on protein structure and function (PolyPhen-2) suggests that this variant¬†is likely to be tolerated. ClinVar contains an entry for this variant (Variation ID: 854047). This variant has not been reported in the literature in individuals affected with CEP250-related conditions.

Blueprint Genetics
Classification: Uncertain significance. Last evaluated: 2023-04-06. Review status: criteria provided, single submitter. Criteria: ACMG Guidelines, 2015. Collection method: clinical testing. Allele origin: germline.